The following is an entry in ClinVar:

NM_181077.5(GOLGA8A):c.1623G>T (p.Ala541=)

Gene: GOLGA8A (golgin A8 family member A; minus strand). Cytogenetic location: 15q14.
Variant type: single nucleotide variant.
Coding change: c.1623G>T on transcript NM_181077.5 (MANE Select); coding-DNA position 1623, G replaced by T.
Protein change: p.Ala541=; no amino-acid change (alanine 541 retained).
Molecular consequence: synonymous variant. On other transcripts: non-coding transcript variant (2).
Genome position (GRCh38, 1-based): chr15:34,381,600, C>A on the plus strand (G>T on the coding strand, the complement: GOLGA8A is on the minus strand). VCF-style: chr15-34381600-C-A. GRCh37 (hg19) VCF-style: chr15-34673801-C-A.
Other names: c.1620G>T, p.Ala540= (NM_001368071.2, NM_001368072.2); c.1623G>T, p.Ala541= (NM_001386893.1, NM_001386895.1).
Identifiers: ClinVar variation 2645150 (VCV002645150.24), dbSNP rs141084002, ClinGen allele CA489655224.

ClinVar aggregate classification (germline): Likely benign (1 of 4 stars; one submission).

Submission:

CeGaT Center for Human Genetics Tuebingen
Classification: Likely benign. Last evaluated: 2026-03-01. Review status: criteria provided, single submitter. Criteria: CeGaT Center For Human Genetics Tuebingen Variant Classification Criteria Version 2. Collection method: clinical testing. Allele origin: germline. Affected: yes. Observed: 4 variant alleles.
Comment: GOLGA8A: BP4, BP7